The following is an entry in ClinVar:

ClinVar aggregate classification (germline): Likely pathogenic (1 of 4 stars; one submission).

Conditions:
Congenital stationary night blindness 1C. Also called: Night blindness, congenital stationary (complete), 1C, autosomal recessive. Identifiers: Orphanet 215, MedGen C2750747, MONDO:0013183, OMIM 613216.

Submission:

Ophthalmic Genetics and Bioinformatics Laboratory, Shanghai Puxi and Light Genomics Technology Co., Ltd.
Classification: Likely pathogenic for Congenital stationary night blindness 1C. Last evaluated: 2025-03-04. Review status: criteria provided, single submitter. Criteria: ACMG Guidelines, 2015. Collection method: clinical testing. Allele origin: unknown. Affected: yes.
Comment: The variant is rated as PVS1 + PM2_Supporting based on the following evidence: This variant is a nonsense mutation, associated with a loss-of-function (LOF) pathogenic mechanism. The transcript affected by this mutation is biologically significant and not located in the last coding exon or the last 50 base pairs of the second-to-last coding exon. It is predicted to potentially trigger nonsense-mediated mRNA decay, which would impact the functionality of the protein encoded by this gene. Additionally, this variant is extremely rare or absent in the ExAC, gnomAD, and 1000 Genomes Asian population databases, indicating a low population frequency.

NM_001252024.2(TRPM1):c.2130T>A (p.Tyr710Ter)

Gene: TRPM1 (transient receptor potential cation channel subfamily M member 1; minus strand). Cytogenetic location: 15q13.3.
Variant type: single nucleotide variant.
Coding change: c.2130T>A on transcript NM_001252024.2 (MANE Select); coding-DNA position 2130, T replaced by A.
Protein change: p.Tyr710Ter; replaces tyrosine 710 with a stop codon.
Molecular consequence: nonsense.
Genome position (GRCh38, 1-based): chr15:31,040,304, A>T on the plus strand (T>A on the coding strand, the complement: TRPM1 is on the minus strand). VCF-style: chr15-31040304-A-T. GRCh37 (hg19) VCF-style: chr15-31332507-A-T.
Other names: c.2181T>A, p.Tyr727Ter (NM_001252020.2); c.2064T>A, p.Tyr688Ter (NM_002420.6); short protein forms Y688*, Y710*, Y727*.
Identifiers: ClinVar variation 4277279 (VCV004277279.1).
Genomic context (GRCh38, chr15:31,040,304, plus strand): 5'-GTTGCTCCAGTTTTTCAGCTCGTAGGTCAGGAGTTTCATAGCGATCTGCTCGTCATGCTT[A>T]TAGGACTGGTCTAATAACTCCAAAGCAAGCTGGCCGAAGTCTCTGGGGGGAAAGAGAAGG-3'